The following is an entry in ClinVar:

ClinVar aggregate classification (germline): Uncertain significance (1 of 4 stars; one submission).

gnomAD v4.1: 9 of 1,593,576 alleles (0.00056%); highest among the groups gnomAD compares: African/African-American, 0.0014%; no homozygotes.

Submission:

Labcorp Genetics (formerly Invitae), Labcorp
Classification: Uncertain significance. Last evaluated: 2022-03-01. Review status: criteria provided, single submitter. Criteria: Invitae Variant Classification Sherloc (09022015). Collection method: clinical testing. Allele origin: germline.
Comment: In summary, the available evidence is currently insufficient to determine the role of this variant in disease. Therefore, it has been classified as a Variant of Uncertain Significance. Algorithms developed to predict the effect of missense changes on protein structure and function are either unavailable or do not agree on the potential impact of this missense change (SIFT: "Deleterious"; PolyPhen-2: "Benign"; Align-GVGD: "Class C0"). This variant has not been reported in the literature in individuals affected with CERKL-related conditions. This variant is present in population databases (no rsID available, gnomAD 0.0009%). This sequence change replaces aspartic acid, which is acidic and polar, with valine, which is neutral and non-polar, at codon 81 of the CERKL protein (p.Asp81Val).

NM_201548.5(CERKL):c.242A>T (p.Asp81Val)

Gene: CERKL (CERK like autophagy regulator; minus strand). Cytogenetic location: 2q31.3.
Variant type: single nucleotide variant.
Coding change: c.242A>T on transcript NM_201548.5 (MANE Select); coding-DNA position 242, A replaced by T.
Protein change: p.Asp81Val; replaces aspartic acid 81 with valine.
Molecular consequence: missense variant. On other transcripts: non-coding transcript variant (2).
Genome position (GRCh38, 1-based): chr2:181,604,076, T>A on the plus strand (A>T on the coding strand, the complement: CERKL is on the minus strand). VCF-style: chr2-181604076-T-A. GRCh37 (hg19) VCF-style: chr2-182468803-T-A.
Other names: c.242A>T, p.Asp81Val (NM_001030311.3, NM_001030312.3, NM_001030313.3 and 3 more transcripts); short protein forms D81V.
Identifiers: ClinVar variation 1913219 (VCV001913219.5), dbSNP rs61750041, ClinGen allele CA61602332.